The following is an entry in ClinVar:

ClinVar aggregate classification (germline): Pathogenic (1 of 4 stars; one submission).

Conditions:
Familial adenomatous polyposis 1 (FAP1). Also called: FAMILIAL ADENOMATOUS POLYPOSIS 1, ATTENUATED; POLYPOSIS, ADENOMATOUS INTESTINAL. Identifiers: MedGen C2713442, MONDO:0021056, OMIM 175100. Disease mechanism: loss of function.

Submission:

Myriad Genetics, Inc.
Classification: Pathogenic for Familial adenomatous polyposis 1. Last evaluated: 2023-04-27. Review status: criteria provided, single submitter. Criteria: Myriad Autosomal Dominant, Autosomal Recessive and X-Linked Classification Criteria (2023). Collection method: clinical testing. Allele origin: unknown.
Comment: This variant is considered pathogenic. This variant creates a frameshift predicted to result in premature protein truncation.

NM_000038.6(APC):c.902del (p.Pro301fs)

Gene: APC (APC regulator of Wnt signaling pathway; plus strand). Cytogenetic location: 5q22.2.
Variant type: Deletion.
Coding change: c.902del on transcript NM_000038.6 (MANE Select); coding-DNA position 902, one base deleted (C; older notation c.902delC).
Protein change: p.Pro301fs; shifts the reading frame from proline 301.
Molecular consequence: frameshift variant. On other transcripts: non-coding transcript variant (2).
Genome position (GRCh38, 1-based): chr5:112,815,562, C deleted; the last of 2 consecutive C bases (chr5:112,815,561-112,815,562); deleting either gives the same sequence. VCF-style (leftmost placement, unchanged base first): chr5-112815560-AC-A. GRCh37 (hg19) VCF-style: chr5-112151257-AC-A.
Other names: c.902del, p.Pro301fs (NM_001127510.3, NM_001354895.2, NM_001354896.2 and 12 more transcripts); c.848del, p.Pro283fs (NM_001127511.3); c.932del, p.Pro311fs (NM_001354897.2, NM_001354902.2, NM_001407446.1); c.827del, p.Pro276fs (NM_001354898.2, NM_001354904.2, NM_001407451.1); c.818del, p.Pro273fs (NM_001354899.2, NM_001407452.1, NM_001407467.1 and 1 more transcripts); c.725del, p.Pro242fs (NM_001354900.2, NM_001354901.2, NM_001354905.2 and 1 more transcripts); c.53del, p.Pro18fs (NM_001354906.2, NM_001407470.1, NM_001407471.1 and 1 more transcripts); short protein forms P18fs, P242fs, P273fs, P276fs, P283fs, P301fs, P311fs.
Identifiers: ClinVar variation 2584091 (VCV002584091.1), dbSNP rs2532971083, ClinGen allele CA2582341285.